The following is an entry in ClinVar:

ClinVar aggregate classification (germline): Likely benign (1 of 4 stars; one submission).

Allele frequency attached by ClinVar (database versions not stated): gnomAD 0.01317 and 0.01325; 1000 Genomes Project 0.00879; gnomAD exomes 0.01751; TOPMed 0.01195; 1000 Genomes Project 30x 0.00843.

Submission:

GeneDx
Classification: Likely benign. Last evaluated: 2018-06-16. Review status: criteria provided, single submitter. Criteria: GeneDx Variant Classification (06012015). Collection method: clinical testing. Allele origin: germline. Affected: yes.
Comment: This variant is considered likely benign or benign based on one or more of the following criteria: it is a conservative change, it occurs at a poorly conserved position in the protein, it is predicted to be benign by multiple in silico algorithms, and/or has population frequency not consistent with disease.

NM_014564.3(LHX3):c.-2092C>T

Gene: LHX3 (LIM homeobox 3; minus strand). Cytogenetic location: 9q34.3.
Variant type: single nucleotide variant.
Coding change: c.-2092C>T on transcript NM_014564.3; 2092 bases upstream of the start codon, C replaced by T.
Genome position (GRCh38, 1-based): chr9:136,205,131, G>A on the plus strand (C>T on the coding strand, the complement: LHX3 is on the minus strand). VCF-style: chr9-136205131-G-A. GRCh37 (hg19) VCF-style: chr9-139096977-G-A.
Identifiers: ClinVar variation 683159 (VCV000683159.3), dbSNP rs148718395, ClinGen allele CA201538774.
Genomic context (GRCh38, chr9:136,205,131, plus strand): 5'-GGGTTCGGGGCTCCCAAGTCCCGCCGCGTCGTGCGGGGCAGGGAGCCCGGGAGCCACTGG[G>A]CCTGGCGCTGTCCGCGGTGCTGAAGGAGGCGCCCGCTGCCCGCCCCGCCCGCGCGCCCGC-3'